The following is an entry in ClinVar:

NM_021738.3(SVIL):c.5101-1G>A

Genes: SVIL (supervillin; minus strand), SVIL-AS1 (SVIL antisense RNA 1; plus strand). Cytogenetic location: 10p11.23.
Variant type: single nucleotide variant.
Coding change: c.5101-1G>A on transcript NM_021738.3 (MANE Select); the canonical splice acceptor site of the intron before coding-DNA position 5101, G replaced by A.
Molecular consequence: splice acceptor variant.
Genome position (GRCh38, 1-based): chr10:29,480,814, C>T on the plus strand (G>A on the coding strand, the complement: SVIL is on the minus strand). VCF-style: chr10-29480814-C-T. GRCh37 (hg19) VCF-style: chr10-29769743-C-T.
Other names: c.4171-1G>A (NM_001323599.2); c.3919-1G>A (NM_001323600.1); c.3823-1G>A (NM_003174.3).
Identifiers: ClinVar variation 2062672 (VCV002062672.1), dbSNP rs2491788605, ClinGen allele CA376409423.

ClinVar aggregate classification (germline): Likely pathogenic (1 of 4 stars; one submission).

Allele frequency attached by ClinVar (database versions not stated): gnomAD exomes below 0.00001.
gnomAD v4.1: 1 of 1,600,934 alleles (0.000062%); highest among the groups gnomAD compares: African/African-American, 0.0013%; no homozygotes.

Submission:

Labcorp Genetics (formerly Invitae), Labcorp
Classification: Likely pathogenic. Last evaluated: 2022-07-05. Review status: criteria provided, single submitter. Criteria: Invitae Variant Classification Sherloc (09022015). Collection method: clinical testing. Allele origin: germline.
Comment: This sequence change affects an acceptor splice site in intron 26 of the SVIL gene. It is expected to disrupt RNA splicing. Variants that disrupt the donor or acceptor splice site typically lead to a loss of protein function (PMID: 16199547), and loss-of-function variants in SVIL are known to be pathogenic (PMID: 32779703). This variant is not present in population databases (gnomAD no frequency). This variant has not been reported in the literature in individuals affected with SVIL-related conditions. Algorithms developed to predict the effect of sequence changes on RNA splicing suggest that this variant may disrupt the consensus splice site. In summary, the currently available evidence indicates that the variant is pathogenic, but additional data are needed to prove that conclusively. Therefore, this variant has been classified as Likely Pathogenic.

Literature cited by the submitters: PubMed 16199547; PubMed 32779703.